The following is an entry in ClinVar:

NM_033395.2(CEP295):c.6076G>C (p.Val2026Leu)

Gene: CEP295 (centrosomal protein 295; plus strand). Cytogenetic location: 11q21.
Variant type: single nucleotide variant.
Coding change: c.6076G>C on transcript NM_033395.2 (MANE Select); coding-DNA position 6076, G replaced by C.
Protein change: p.Val2026Leu; replaces valine 2026 with leucine.
Molecular consequence: missense variant.
Genome position (GRCh38, 1-based): chr11:93,723,169, G>C. VCF-style: chr11-93723169-G-C. GRCh37 (hg19) VCF-style: chr11-93456335-G-C.
Other names: short protein forms V2026L.
Identifiers: ClinVar variation 3387957 (VCV003387957.14).

ClinVar aggregate classification (germline): Benign (1 of 4 stars; one submission).

gnomAD v4.1: 20,819 of 1,551,980 alleles (1.3%); highest among the groups gnomAD compares: Non-Finnish European, 1.5%; 199 homozygotes.

Submission:

CeGaT Center for Human Genetics Tuebingen
Classification: Benign. Last evaluated: 2026-08-01. Review status: criteria provided, single submitter. Criteria: CeGaT Center For Human Genetics Tuebingen Variant Classification Criteria Version 2. Collection method: clinical testing. Allele origin: germline. Affected: yes. Observed: 9 variant alleles.
Comment: CEP295: BP4, BS1, BS2